The following is an entry in ClinVar:

NM_001184.4(ATR):c.6126T>C (p.Leu2042=)

Genes: ATR (ATR checkpoint kinase; minus strand), LOC126806830 (BRD4-independent group 4 enhancer GRCh37_chr3:142203676-142204875; plus strand). Cytogenetic location: 3q23.
Variant type: single nucleotide variant.
Coding change: c.6126T>C on transcript NM_001184.4 (MANE Select); coding-DNA position 6126, T replaced by C.
Protein change: p.Leu2042=; no amino-acid change (leucine 2042 retained).
Molecular consequence: synonymous variant.
Genome position (GRCh38, 1-based): chr3:142,485,235, A>G on the plus strand (T>C on the coding strand, the complement: ATR is on the minus strand). VCF-style: chr3-142485235-A-G. GRCh37 (hg19) VCF-style: chr3-142204077-A-G.
Other names: c.5934T>C, p.Leu1978= (NM_001354579.2).
Identifiers: ClinVar variation 700413 (VCV000700413.18), dbSNP rs200445478, ClinGen allele CA2649406.

ClinVar aggregate classification (germline): Likely benign. Review status: criteria provided, multiple submitters, no conflicts (2 of 4 stars). 7 submissions from 6 submitters: Likely benign (6). 1 of the submissions does not count toward it. Last evaluated 2025-12-21.

Conditions:
ATR-related disorder. Also called: ATR-related condition.
Inborn genetic diseases. Identifiers: MedGen C0950123, MeSH D030342.
Familial cutaneous telangiectasia and oropharyngeal predisposition cancer syndrome. Identifiers: Orphanet 313846, MedGen C3281203, MONDO:0013806, OMIM 614564.
Seckel syndrome 1 (SCKL1). Also called: MICROCEPHALIC PRIMORDIAL DWARFISM I. Identifiers: Orphanet 808, MedGen C4551474, MONDO:0008869, OMIM 210600.

Allele frequency attached by ClinVar (database versions not stated): gnomAD exomes 0.00003 and 0.00017; gnomAD 0.00006 and 0.00011; ExAC 0.00015; TOPMed 0.00016; 1000 Genomes Project 0.00140; 1000 Genomes Project 30x 0.00172.
gnomAD v4.1: 57 of 1,614,186 alleles (0.0035%); highest among the groups gnomAD compares: East Asian, 0.12%; no homozygotes.

Submissions (7):

Labcorp Genetics (formerly Invitae), Labcorp
Classification: Likely benign. Last evaluated: 2025-12-21. Review status: criteria provided, single submitter. Criteria: Invitae Variant Classification Sherloc (09022015). Collection method: clinical testing. Allele origin: germline.

Blueprint Genetics
Classification: Likely benign. Last evaluated: 2024-05-30. Review status: criteria provided, single submitter. Criteria: ACMG Guidelines, 2015. Collection method: clinical testing. Allele origin: germline.

Genome-Nilou Lab
Classification: Likely benign for Seckel syndrome 1. Last evaluated: 2023-02-08. Review status: criteria provided, single submitter. Criteria: ACMG Guidelines, 2015. Collection method: clinical testing. Allele origin: germline.

Genome-Nilou Lab
Classification: Likely benign for Familial cutaneous telangiectasia and oropharyngeal predisposition cancer syndrome. Last evaluated: 2023-02-08. Review status: criteria provided, single submitter. Criteria: ACMG Guidelines, 2015. Collection method: clinical testing. Allele origin: germline.

Ambry Genetics
Classification: Likely benign for Inborn genetic diseases. Last evaluated: 2022-02-12. Review status: criteria provided, single submitter. Criteria: Ambry Variant Classification Scheme 2023. Collection method: clinical testing. Allele origin: germline.

Genetic Services Laboratory, University of Chicago
Classification: Likely benign. Last evaluated: 2018-10-12. Review status: criteria provided, single submitter. Criteria: ACMG Guidelines, 2015. Collection method: clinical testing. Allele origin: germline. Affected: no.

PreventionGenetics, part of Exact Sciences
Classification: Likely benign for ATR-related condition. Last evaluated: 2019-07-10. Review status: no assertion criteria provided. Collection method: clinical testing. Allele origin: germline. Not counted in ClinVar's aggregate classification.
Comment: This variant is classified as likely benign based on ACMG/AMP sequence variant interpretation guidelines (Richards et al. 2015 PMID: 25741868, with internal and published modifications).